The following is an entry in ClinVar:

NM_015021.3(ZNF292):c.5514G>A (p.Gln1838=)

Gene: ZNF292 (zinc finger protein 292; plus strand). Cytogenetic location: 6q14.3.
Variant type: single nucleotide variant.
Coding change: c.5514G>A on transcript NM_015021.3 (MANE Select); coding-DNA position 5514, G replaced by A.
Protein change: p.Gln1838=; no amino-acid change (glutamine 1838 retained).
Molecular consequence: synonymous variant.
Genome position (GRCh38, 1-based): chr6:87,259,143, G>A. VCF-style: chr6-87259143-G-A. GRCh37 (hg19) VCF-style: chr6-87968861-G-A.
Other names: c.5094G>A, p.Gln1698= (NM_001351444.2).
Identifiers: ClinVar variation 5039324 (VCV005039324.1).

ClinVar aggregate classification (germline): Likely benign (1 of 4 stars; one submission).

gnomAD v4.1: 3 of 1,613,324 alleles (0.00019%); highest among the groups gnomAD compares: Non-Finnish European, 0.00025%; no homozygotes.

Submission:

CeGaT Center for Human Genetics Tuebingen
Classification: Likely benign. Last evaluated: 2026-07-01. Review status: criteria provided, single submitter. Criteria: CeGaT Center For Human Genetics Tuebingen Variant Classification Criteria Version 2. Collection method: clinical testing. Allele origin: germline. Affected: yes. Observed: 1 variant allele.
Comment: ZNF292: BP4, BP7